The following is an entry in ClinVar:

ClinVar aggregate classification (germline): Pathogenic. Review status: criteria provided, multiple submitters, no conflicts (2 of 4 stars). 3 submissions from 3 submitters: Pathogenic (2). 1 of the submissions does not count toward it. Last evaluated 2024-03-10.

Conditions:
Retinal dystrophy. Also called: Inherited retinal dystrophy. Identifiers: Orphanet 71862, MedGen C0854723, MeSH D058499, MONDO:0019118, HP:0000556.

Submissions (3):

Labcorp Genetics (formerly Invitae), Labcorp
Classification: Pathogenic. Last evaluated: 2024-03-10. Review status: criteria provided, single submitter. Criteria: Invitae Variant Classification Sherloc (09022015). Collection method: clinical testing. Allele origin: germline.
Comment: This sequence change creates a premature translational stop signal (p.Ser543Trpfs*5) in the PROM1 gene. It is expected to result in an absent or disrupted protein product. Loss-of-function variants in PROM1 are known to be pathogenic (PMID: 17605048, 19718270, 24154662, 25474345). This variant is not present in population databases (gnomAD no frequency). This variant has not been reported in the literature in individuals affected with PROM1-related conditions. For these reasons, this variant has been classified as Pathogenic.

CeGaT Center for Human Genetics Tuebingen
Classification: Pathogenic. Last evaluated: 2019-09-01. Review status: criteria provided, single submitter. Criteria: CeGaT Center For Human Genetics Tuebingen Variant Classification Criteria Version 2. Collection method: clinical testing. Allele origin: germline. Affected: yes. Observed: 2 variant alleles.

Institute of Human Genetics, Univ. Regensburg, Univ. Regensburg
Classification: Pathogenic for Retinal dystrophy. Last evaluated: 2021-01-01. Review status: no assertion criteria provided. Criteria: ACMG Guidelines, 2015. Collection method: clinical testing. Allele origin: germline. Affected: yes. Not counted in ClinVar's aggregate classification.

Literature cited by the submitters: PubMed 17605048 (cited by Labcorp Genetics (formerly Invitae), Labcorp); PubMed 19718270 (cited by Labcorp Genetics (formerly Invitae), Labcorp); PubMed 24154662 (cited by Labcorp Genetics (formerly Invitae), Labcorp); PubMed 25474345 (cited by Labcorp Genetics (formerly Invitae), Labcorp).

NM_006017.3(PROM1):c.1628_1629del (p.Ser543fs)

Gene: PROM1 (prominin 1; minus strand). Cytogenetic location: 4p15.32.
Variant type: Microsatellite.
Coding change: c.1628_1629del on transcript NM_006017.3 (MANE Select); coding-DNA positions 1628 to 1629, 2 bases deleted (CT; older notation c.1628_1629delCT).
Protein change: p.Ser543fs; shifts the reading frame from serine 543.
Molecular consequence: frameshift variant.
Genome position (GRCh38, 1-based): chr4:15,998,438-15,998,439, AG deleted on the plus strand (CT on the coding strand, the reverse complement: PROM1 is on the minus strand); deleting any 2 consecutive bases within chr4:15,998,438-15,998,444 gives the same sequence; the c. name uses the placement nearest the transcript's 3' end. VCF-style (leftmost placement, unchanged base first): chr4-15998437-CAG-C. GRCh37 (hg19) VCF-style: chr4-16000060-CAG-C.
Other names: c.1601_1602del, p.Ser534fs (NM_001145847.2, NM_001145848.2, NM_001145851.2 and 4 more transcripts); c.1628_1629del, p.Ser543fs (NM_001145849.2, NM_001145850.2); short protein forms S534fs, S543fs.
Identifiers: ClinVar variation 872739 (VCV000872739.43), dbSNP rs1295259849, ClinGen allele CA789844546.
Genomic context (GRCh38, chr4:15,998,437, plus strand): 5'-ATTGATACCTGTAAACTTGTTCAAAAGTGAGCTTCATTTTTGATTTATTAAATAGCTTCC[CAG>C]AGAGATAGTATTCCCAGTCTTCATTTAGTAAGTAGGGTGTATCCAAAACCTAGAACACAT-3'